The following is an entry in ClinVar:

ClinVar aggregate classification (germline): Conflicting classifications of pathogenicity. Review status: criteria provided, conflicting classifications (1 of 4 stars). 3 submissions from 3 submitters: Uncertain significance (1); Likely benign (2). Last evaluated 2025-06-25.

Conditions:
TRIO-related disorder. Also called: TRIO-related condition; TRIO-related disorders.
Inborn genetic diseases. Identifiers: MedGen C0950123, MeSH D030342.

Submissions (3):

PreventionGenetics, part of Exact Sciences
Classification: Likely benign for TRIO-related condition. Last evaluated: 2025-06-25. Review status: criteria provided, single submitter. Criteria: ACMG Guidelines, 2015. Collection method: clinical testing. Allele origin: germline.
Comment: This variant is classified as likely benign based on ACMG/AMP sequence variant interpretation guidelines (Richards et al. 2015 PMID: 25741868, with internal and published modifications).

Women's Health and Genetics/Laboratory Corporation of America, LabCorp
Classification: Uncertain significance. Last evaluated: 2025-05-19. Review status: criteria provided, single submitter. Criteria: LabCorp Variant Classification Summary - May 2015. Collection method: clinical testing. Allele origin: germline.
Comment: Variant summary: TRIO c.8830A>C (p.Asn2944His) results in a conservative amino acid change in the encoded protein sequence. Algorithms developed to predict the effect of missense changes on protein structure and function are either unavailable or do not agree on the potential impact of this missense change. The variant allele was found at a frequency of 0.00019 in 251472 control chromosomes. This frequency is not significantly higher than estimated for a pathogenic variant in TRIO causing TRIO-Related Intellectual Disability, allowing no conclusion about variant significance. To our knowledge, no occurrence of c.8830A>C in individuals affected with TRIO-Related Intellectual Disability and no experimental evidence demonstrating its impact on protein function have been reported. ClinVar contains an entry for this variant (Variation ID: 3810726). Based on the evidence outlined above, the variant was classified as uncertain significance.

Ambry Genetics
Classification: Likely benign for Inborn genetic diseases. Last evaluated: 2025-02-01. Review status: criteria provided, single submitter. Criteria: Ambry Variant Classification Scheme 2023. Collection method: clinical testing. Allele origin: germline.

NM_007118.4(TRIO):c.8830A>C (p.Asn2944His)

Gene: TRIO (trio Rho guanine nucleotide exchange factor; plus strand). Cytogenetic location: 5p15.2.
Variant type: single nucleotide variant.
Coding change: c.8830A>C on transcript NM_007118.4 (MANE Select); coding-DNA position 8830, A replaced by C.
Protein change: p.Asn2944His; replaces asparagine 2944 with histidine.
Molecular consequence: missense variant. On other transcripts: non-coding transcript variant (1).
Genome position (GRCh38, 1-based): chr5:14,507,958, A>C. VCF-style: chr5-14507958-A-C. GRCh37 (hg19) VCF-style: chr5-14508067-A-C.
Other names: c.8830A>C (NM_007118.3); short protein forms N2944H.
Identifiers: ClinVar variation 3810726 (VCV003810726.3).